The following is an entry in ClinVar:

NM_006245.4(PPP2R5D):c.1588C>T (p.Pro530Ser)

Gene: PPP2R5D (protein phosphatase 2 regulatory subunit B'delta; plus strand). Cytogenetic location: 6p21.1.
Variant type: single nucleotide variant.
Coding change: c.1588C>T on transcript NM_006245.4 (MANE Select); coding-DNA position 1588, C replaced by T.
Protein change: p.Pro530Ser; replaces proline 530 with serine.
Molecular consequence: missense variant.
Genome position (GRCh38, 1-based): chr6:43,010,914, C>T. VCF-style: chr6-43010914-C-T. GRCh37 (hg19) VCF-style: chr6-42978652-C-T.
Other names: c.1492C>T, p.Pro498Ser (NM_180976.3); c.1135C>T, p.Pro379Ser (NM_001270476.2); c.1588C>T (NM_006245.2); c.1270C>T, p.Pro424Ser (NM_180977.3); short protein forms P379S, P424S, P498S, P530S.
Identifiers: ClinVar variation 1238208 (VCV001238208.10), dbSNP rs140491750, ClinGen allele CA3812116.

ClinVar aggregate classification (germline): Conflicting classifications of pathogenicity. Review status: criteria provided, conflicting classifications (1 of 4 stars). 3 submissions from 3 submitters: Uncertain significance (1); Benign (1); Likely benign (1). Last evaluated 2026-02-02.

Conditions:
Inborn genetic diseases. Identifiers: MedGen C0950123, MeSH D030342.

Allele frequency attached by ClinVar (database versions not stated): TOPMed 0.00036; ESP Exome Variant Server 0.00054.
gnomAD v4.1: 70 of 1,614,016 alleles (0.0043%); highest among the groups gnomAD compares: African/African-American, 0.068%; no homozygotes.

Submissions (3):

Labcorp Genetics (formerly Invitae), Labcorp
Classification: Uncertain significance. Last evaluated: 2026-02-02. Review status: criteria provided, single submitter. Criteria: Invitae Variant Classification Sherloc (09022015). Collection method: clinical testing. Allele origin: germline.
Comment: This sequence change replaces proline, which is neutral and non-polar, with serine, which is neutral and polar, at codon 530 of the PPP2R5D protein (p.Pro530Ser). This variant is present in population databases (rs140491750, gnomAD 0.07%), and has an allele count higher than expected for a pathogenic variant. This variant has not been reported in the literature in individuals affected with PPP2R5D-related conditions. ClinVar contains an entry for this variant (Variation ID: 1238208). An algorithm developed to predict the effect of missense changes on protein structure and function (PolyPhen-2) suggests that this variant is likely to be tolerated. In summary, the available evidence is currently insufficient to determine the role of this variant in disease. Therefore, it has been classified as a Variant of Uncertain Significance.

Ambry Genetics
Classification: Likely benign for Inborn genetic diseases. Last evaluated: 2022-08-02. Review status: criteria provided, single submitter. Criteria: Ambry Variant Classification Scheme 2023. Collection method: clinical testing. Allele origin: germline.

GeneDx
Classification: Benign. Last evaluated: 2021-02-22. Review status: criteria provided, single submitter. Criteria: GeneDx Variant Classification Process June 2021. Collection method: clinical testing. Allele origin: germline. Affected: yes.